The following is an entry in ClinVar:

ClinVar aggregate classification (germline): Pathogenic (1 of 4 stars; one submission).

Submission:

GeneDx
Classification: Pathogenic. Last evaluated: 2018-01-11. Review status: criteria provided, single submitter. Criteria: GeneDx Variant Classification (06012015). Collection method: clinical testing. Allele origin: germline. Affected: yes.
Comment: The c.1354_1355delCTinsG variant in the CTNNB1 gene has not been reported previously as a pathogenic variant nor as a benign variant, to our knowledge. The c.1354_1355delCTinsG variant causes a frameshift starting with codon Leucine 452, changes this amino acid to a Valine residue, and creates a premature Stop codon at position 20 of the new reading frame, denoted p.Leu452ValfsX20. This variant is predicted to cause loss of normal protein function either through protein truncation or nonsense-mediated mRNA decay. The c.1354_1355delCTinsG variant is not observed in large population cohorts (Lek et al., 2016). We interpret c.1354_1355delCTinsG as a pathogenic variant.

NM_001904.4(CTNNB1):c.1354_1355delinsG (p.Leu452fs)

Genes: CTNNB1 (catenin beta 1; plus strand), LOC126806659 (BRD4-independent group 4 enhancer GRCh37_chr3:41274918-41276117; plus strand). Cytogenetic location: 3p22.1.
Variant type: Indel.
Coding change: c.1354_1355delinsG on transcript NM_001904.4 (MANE Select); coding-DNA positions 1354 to 1355, CT replaced by G.
Protein change: p.Leu452fs; shifts the reading frame from leucine 452.
Molecular consequence: frameshift variant.
Genome position (GRCh38, 1-based): chr3:41,233,697-41,233,698, CT replaced by G. VCF-style: chr3-41233697-CT-G. GRCh37 (hg19) VCF-style: chr3-41275188-CT-G.
Other names: c.1354_1355delinsG, p.Leu452fs (NM_001098209.2, NM_001098210.2); c.1333_1334delinsG, p.Leu445fs (NM_001330729.2); short protein forms L445fs, L452fs.
Identifiers: ClinVar variation 504115 (VCV000504115.2), dbSNP rs1553631845, ClinGen allele CA658796292.